The following is an entry in ClinVar:

ClinVar aggregate classification (germline): Uncertain significance (1 of 4 stars; one submission).

Allele frequency attached by ClinVar (database versions not stated): gnomAD exomes below 0.00001.
gnomAD v4.1: 6 of 1,610,956 alleles (0.00037%); highest among the groups gnomAD compares: South Asian, 0.0011%; no homozygotes.

Submission:

Labcorp Genetics (formerly Invitae), Labcorp
Classification: Uncertain significance. Last evaluated: 2021-10-23. Review status: criteria provided, single submitter. Criteria: Invitae Variant Classification Sherloc (09022015). Collection method: clinical testing. Allele origin: germline.
Comment: This sequence change replaces asparagine with serine at codon 553 of the REST protein (p.Asn553Ser). The asparagine residue is moderately conserved and there is a small physicochemical difference between asparagine and serine. This variant is not present in population databases (ExAC no frequency). This variant has not been reported in the literature in individuals affected with REST-related conditions. Algorithms developed to predict the effect of missense changes on protein structure and function (SIFT, PolyPhen-2, Align-GVGD) all suggest that this variant is likely to be tolerated. Algorithms developed to predict the effect of sequence changes on RNA splicing suggest that this variant may create or strengthen a splice site. In summary, the available evidence is currently insufficient to determine the role of this variant in disease. Therefore, it has been classified as a Variant of Uncertain Significance.

NM_005612.5(REST):c.1658A>G (p.Asn553Ser)

Gene: REST (RE1 silencing transcription factor; plus strand). Cytogenetic location: 4q12.
Variant type: single nucleotide variant.
Coding change: c.1658A>G on transcript NM_005612.5 (MANE Select); coding-DNA position 1658, A replaced by G.
Protein change: p.Asn553Ser; replaces asparagine 553 with serine.
Molecular consequence: missense variant.
Genome position (GRCh38, 1-based): chr4:56,930,516, A>G. VCF-style: chr4-56930516-A-G. GRCh37 (hg19) VCF-style: chr4-57796682-A-G.
Other names: c.1658A>G, p.Asn553Ser (NM_001193508.2, NM_001363453.3); short protein forms N553S.
Identifiers: ClinVar variation 1499004 (VCV001499004.6), dbSNP rs2109574186, ClinGen allele CA357007117.